The following is an entry in ClinVar:

ClinVar aggregate classification (germline): Uncertain significance. Review status: criteria provided, multiple submitters, no conflicts (2 of 4 stars). 2 submissions from 2 submitters: Uncertain significance (2). Last evaluated 2022-02-04.

Conditions:
Emery-Dreifuss muscular dystrophy 5, autosomal dominant (EDMD5). Also called: EMERY-DREIFUSS MUSCULAR DYSTROPHY 5. Identifiers: Orphanet 261, MedGen C2751805, MONDO:0013072, OMIM 612999.

gnomAD v4.1: 11 of 1,613,668 alleles (0.00068%); highest among the groups gnomAD compares: African/African-American, 0.0013%; no homozygotes.

Submissions (2):

Labcorp Genetics (formerly Invitae), Labcorp
Classification: Uncertain significance for Emery-Dreifuss muscular dystrophy 5, autosomal dominant. Last evaluated: 2022-02-04. Review status: criteria provided, single submitter. Criteria: Invitae Variant Classification Sherloc (09022015). Collection method: clinical testing. Allele origin: germline.
Comment: In summary, the available evidence is currently insufficient to determine the role of this variant in disease. Therefore, it has been classified as a Variant of Uncertain Significance. Algorithms developed to predict the effect of missense changes on protein structure and function are either unavailable or do not agree on the potential impact of this missense change (SIFT: "Deleterious"; PolyPhen-2: "Possibly Damaging"; Align-GVGD: "Class C0"). This variant has not been reported in the literature in individuals affected with SYNE2-related conditions. This variant is present in population databases (no rsID available, gnomAD 0.002%). This sequence change replaces aspartic acid, which is acidic and polar, with valine, which is neutral and non-polar, at codon 5532 of the SYNE2 protein (p.Asp5532Val).

Revvity Omics, Revvity
Classification: Uncertain significance for Emery-Dreifuss muscular dystrophy 5, autosomal dominant. Last evaluated: 2019-10-16. Review status: criteria provided, single submitter. Criteria: ACMG Guidelines, 2015. Collection method: clinical testing. Allele origin: germline.

NM_182914.3(SYNE2):c.16595A>T (p.Asp5532Val)

Gene: SYNE2 (spectrin repeat containing nuclear envelope protein 2; plus strand). Cytogenetic location: 14q23.2.
Variant type: single nucleotide variant.
Coding change: c.16595A>T on transcript NM_182914.3 (MANE Select); coding-DNA position 16595, A replaced by T.
Protein change: p.Asp5532Val; replaces aspartic acid 5532 with valine.
Molecular consequence: missense variant.
Genome position (GRCh38, 1-based): chr14:64,165,400, A>T. VCF-style: chr14-64165400-A-T. GRCh37 (hg19) VCF-style: chr14-64632118-A-T.
Other names: c.16595A>T (NM_182914.2); c.16595A>T, p.Asp5532Val (NM_015180.6); short protein forms D5532V.
Identifiers: ClinVar variation 2042122 (VCV002042122.7), dbSNP rs772769879, ClinGen allele CA261829308.